The following is an entry in ClinVar:

NM_012186.3(FOXE3):c.849T>C (p.Ala283=)

Genes: FOXE3 (forkhead box E3; plus strand), LINC01389 (long independently transcribed non-coding RNA 1389; minus strand). Cytogenetic location: 1p33.
Variant type: single nucleotide variant.
Coding change: c.849T>C on transcript NM_012186.3 (MANE Select); coding-DNA position 849, T replaced by C.
Protein change: p.Ala283=; no amino-acid change (alanine 283 retained).
Molecular consequence: synonymous variant.
Genome position (GRCh38, 1-based): chr1:47,417,164, T>C. VCF-style: chr1-47417164-T-C. GRCh37 (hg19) VCF-style: chr1-47882836-T-C.
Identifiers: ClinVar variation 1099310 (VCV001099310.13), dbSNP rs911846788, ClinGen allele CA22069396.

ClinVar aggregate classification (germline): Likely benign. Review status: criteria provided, multiple submitters, no conflicts (2 of 4 stars). 3 submissions from 3 submitters: Likely benign (2). 1 of the submissions does not count toward it. Last evaluated 2026-02-01.

Conditions:
FOXE3-related disorder. Also called: FOXE3-related condition.
Anterior segment dysgenesis. Also called: Ocular anterior segment dysgenesis. Identifiers: Orphanet 88632, MedGen C1862839, MONDO:0019503, HP:0007700.
Congenital primary aphakia. Also called: Anterior segment dysgenesis 2, multiple subtypes; ANTERIOR SEGMENT DYSGENESIS 2. Identifiers: Orphanet 83461, MedGen C1853230, MONDO:0012456, OMIM 610256.
Cardiovascular phenotype. Identifiers: MedGen CN230736.

Allele frequency attached by ClinVar (database versions not stated): gnomAD exomes 0.00007; gnomAD 0.00016 and 0.00019; 1000 Genomes Project 30x 0.00062.

Submissions (3):

Labcorp Genetics (formerly Invitae), Labcorp
Classification: Likely benign for Anterior segment dysgenesis; Congenital primary aphakia. Last evaluated: 2026-02-01. Review status: criteria provided, single submitter. Criteria: Invitae Variant Classification Sherloc (09022015). Collection method: clinical testing. Allele origin: germline.

Ambry Genetics
Classification: Likely benign for Cardiovascular phenotype. Last evaluated: 2019-08-14. Review status: criteria provided, single submitter. Criteria: Ambry Variant Classification Scheme 2023. Collection method: clinical testing. Allele origin: germline.

PreventionGenetics, part of Exact Sciences
Classification: Likely benign for FOXE3-related condition. Last evaluated: 2021-09-29. Review status: no assertion criteria provided. Collection method: clinical testing. Allele origin: germline. Not counted in ClinVar's aggregate classification.
Comment: This variant is classified as likely benign based on ACMG/AMP sequence variant interpretation guidelines (Richards et al. 2015 PMID: 25741868, with internal and published modifications).